The following is an entry in ClinVar:

NM_032590.5(KDM2B):c.3256A>G (p.Met1086Val)

Gene: KDM2B (lysine demethylase 2B; minus strand). Cytogenetic location: 12q24.31.
Variant type: single nucleotide variant.
Coding change: c.3256A>G on transcript NM_032590.5 (MANE Select); coding-DNA position 3256, A replaced by G.
Protein change: p.Met1086Val; replaces methionine 1086 with valine.
Molecular consequence: missense variant.
Genome position (GRCh38, 1-based): chr12:121,442,185, T>C on the plus strand (A>G on the coding strand, the complement: KDM2B is on the minus strand). VCF-style: chr12-121442185-T-C. GRCh37 (hg19) VCF-style: chr12-121879988-T-C.
Other names: c.3049A>G, p.Met1017Val (NM_001005366.2); short protein forms M1017V, M1086V.
Identifiers: ClinVar variation 4057008 (VCV004057008.2).

ClinVar aggregate classification (germline): Uncertain significance (1 of 4 stars; one submission).

Submission:

GeneDx
Classification: Uncertain significance. Last evaluated: 2025-08-21. Review status: criteria provided, single submitter. Criteria: GeneDx Variant Classification Process June 2021. Collection method: clinical testing. Allele origin: germline.
Comment: Not observed at significant frequency in large population cohorts (gnomAD); In silico analysis supports that this missense variant has a deleterious effect on protein structure/function; Has not been previously published as pathogenic or benign to our knowledge